The following is an entry in ClinVar:

NM_207361.6(FREM2):c.3245A>C (p.Lys1082Thr)

Gene: FREM2 (FRAS1 related extracellular matrix 2; plus strand). Cytogenetic location: 13q13.3.
Variant type: single nucleotide variant.
Coding change: c.3245A>C on transcript NM_207361.6 (MANE Select); coding-DNA position 3245, A replaced by C.
Protein change: p.Lys1082Thr; replaces lysine 1082 with threonine.
Molecular consequence: missense variant.
Genome position (GRCh38, 1-based): chr13:38,690,589, A>C. VCF-style: chr13-38690589-A-C. GRCh37 (hg19) VCF-style: chr13-39264726-A-C.
Other names: short protein forms K1082T.
Identifiers: ClinVar variation 1939510 (VCV001939510.2), dbSNP rs751667473, ClinGen allele CA6954762.
Genomic context (GRCh38, chr13:38,690,589, plus strand): 5'-TTGATAGCCAGGCCCCAGAAATCTTTGTAGGTGAACAGTTGATAGTAATGGAAGGTGATA[A>C]AAGTGTTATAACATCAGTGCATATAAGTGCTGAAGATGTCGACTCCCTGAATGATGACAT-3'
Protein context (NP_997244.4, residues 1072-1092): GEQLIVMEGD[Lys1082Thr]SVITSVHISA

ClinVar aggregate classification (germline): Uncertain significance (1 of 4 stars; one submission).

Allele frequency attached by ClinVar (database versions not stated): ExAC 0.00001; gnomAD exomes 0.00001; gnomAD 0.00002; TOPMed 0.00004.
gnomAD v4.1: 12 of 1,613,972 alleles (0.00074%); highest among the groups gnomAD compares: African/African-American, 0.0093%; no homozygotes.

Submission:

Labcorp Genetics (formerly Invitae), Labcorp
Classification: Uncertain significance. Last evaluated: 2021-12-15. Review status: criteria provided, single submitter. Criteria: Invitae Variant Classification Sherloc (09022015). Collection method: clinical testing. Allele origin: germline.
Comment: This sequence change replaces lysine, which is basic and polar, with threonine, which is neutral and polar, at codon 1082 of the FREM2 protein (p.Lys1082Thr). This variant is present in population databases (rs751667473, gnomAD 0.01%). This variant has not been reported in the literature in individuals affected with FREM2-related conditions. Algorithms developed to predict the effect of missense changes on protein structure and function are either unavailable or do not agree on the potential impact of this missense change (SIFT: "Deleterious"; PolyPhen-2: "Benign"; Align-GVGD: "Class C0"). In summary, the available evidence is currently insufficient to determine the role of this variant in disease. Therefore, it has been classified as a Variant of Uncertain Significance.